The following is an entry in ClinVar:

ClinVar aggregate classification (germline): Uncertain significance (1 of 4 stars; one submission).

Conditions:
Myofibrillar myopathy 3 (MFM3). Also called: Autosomal dominant spheroid body myopathy; Muscular dystrophy, proximal, type 1A. Identifiers: Orphanet 266, Orphanet 268129, MedGen C3714934, MONDO:0012215, OMIM 609200.

Allele frequency attached by ClinVar (database versions not stated): gnomAD exomes below 0.00001.
gnomAD v4.1: 3 of 1,614,188 alleles (0.00019%); highest among the groups gnomAD compares: African/African-American, 0.004%; no homozygotes.

Submission:

Labcorp Genetics (formerly Invitae), Labcorp
Classification: Uncertain significance for Myofibrillar myopathy 3. Last evaluated: 2025-01-08. Review status: criteria provided, single submitter. Criteria: Invitae Variant Classification Sherloc (09022015). Collection method: clinical testing. Allele origin: germline.
Comment: This sequence change replaces glutamine, which is neutral and polar, with arginine, which is basic and polar, at codon 46 of the MYOT protein (p.Gln46Arg). This variant is not present in population databases (gnomAD no frequency). This variant has not been reported in the literature in individuals affected with MYOT-related conditions. ClinVar contains an entry for this variant (Variation ID: 1941101). An algorithm developed to predict the effect of missense changes on protein structure and function (PolyPhen-2) suggests that this variant is likely to be tolerated. In summary, the available evidence is currently insufficient to determine the role of this variant in disease. Therefore, it has been classified as a Variant of Uncertain Significance.

NM_006790.3(MYOT):c.137A>G (p.Gln46Arg)

Genes: PKD2L2-DT (PKD2L2 divergent transcript; minus strand), MYOT (myotilin; plus strand). Cytogenetic location: 5q31.2.
Variant type: single nucleotide variant.
Coding change: c.137A>G on transcript NM_006790.3 (MANE Select); coding-DNA position 137, A replaced by G.
Protein change: p.Gln46Arg; replaces glutamine 46 with arginine.
Molecular consequence: missense variant. On other transcripts: intron variant (2).
Genome position (GRCh38, 1-based): chr5:137,870,788, A>G. VCF-style: chr5-137870788-A-G. GRCh37 (hg19) VCF-style: chr5-137206477-A-G.
Other names: c.-120-89A>G (NM_001300911.2); c.-197+263A>G (NM_001135940.2); short protein forms Q46R.
Identifiers: ClinVar variation 1941101 (VCV001941101.5), dbSNP rs2149978825, ClinGen allele CA361052667.